The following is an entry in ClinVar:

ClinVar aggregate classification (germline): Uncertain significance (1 of 4 stars; one submission).

Conditions:
Combined immunodeficiency with skin granulomas. Identifiers: Orphanet 157949, MedGen C2673536, MONDO:0009306, OMIM 233650.
Severe combined immunodeficiency, autosomal recessive, T cell-negative, B cell-negative, NK cell-positive. Also called: SCID, T CELL-NEGATIVE, B CELL-NEGATIVE, NK CELL-POSITIVE; SCID, AR, T-cell negative, B-cell negative, NK cell-positive; Severe combined immunodeficiency due to complete RAG1/2 deficiency. Identifiers: Orphanet 331206, MedGen C1832322, MONDO:0011086, OMIM 601457.

Submission:

Labcorp Genetics (formerly Invitae), Labcorp
Classification: Uncertain significance for Combined immunodeficiency with skin granulomas; Severe combined immunodeficiency, autosomal recessive, T cell-negative, B cell-negative, NK cell-positive. Last evaluated: 2020-09-24. Review status: criteria provided, single submitter. Criteria: Invitae Variant Classification Sherloc (09022015). Collection method: clinical testing. Allele origin: germline.
Comment: In summary, the available evidence is currently insufficient to determine the role of this variant in disease. Therefore, it has been classified as a Variant of Uncertain Significance. Advanced modeling of protein sequence and biophysical properties (such as structural, functional, and spatial information, amino acid conservation, physicochemical variation, residue mobility, and thermodynamic stability) performed at Invitae indicates that this missense variant is expected to disrupt RAG2 protein function. This variant has not been reported in the literature in individuals with RAG2-related conditions. This variant is not present in population databases (ExAC no frequency). This sequence change replaces valine with alanine at codon 145 of the RAG2 protein (p.Val145Ala). The valine residue is highly conserved and there is a small physicochemical difference between valine and alanine.

NM_000536.4(RAG2):c.434T>C (p.Val145Ala)

Gene: RAG2 (recombination activating 2; minus strand). Cytogenetic location: 11p12.
Variant type: single nucleotide variant.
Coding change: c.434T>C on transcript NM_000536.4 (MANE Select); coding-DNA position 434, T replaced by C.
Protein change: p.Val145Ala; replaces valine 145 with alanine.
Molecular consequence: missense variant.
Genome position (GRCh38, 1-based): chr11:36,593,735, A>G on the plus strand (T>C on the coding strand, the complement: RAG2 is on the minus strand). VCF-style: chr11-36593735-A-G. GRCh37 (hg19) VCF-style: chr11-36615285-A-G.
Other names: c.434T>C, p.Val145Ala (NM_001243785.2, NM_001243786.2); short protein forms V145A.
Identifiers: ClinVar variation 1022035 (VCV001022035.8), dbSNP rs1851090191, ClinGen allele CA380143089.